The following is an entry in ClinVar:

NM_005188.4(CBL):c.2021A>G (p.Tyr674Cys)

Gene: CBL (Cbl proto-oncogene; plus strand). Cytogenetic location: 11q23.3.
Variant type: single nucleotide variant.
Coding change: c.2021A>G on transcript NM_005188.4 (MANE Select); coding-DNA position 2021, A replaced by G.
Protein change: p.Tyr674Cys; replaces tyrosine 674 with cysteine.
Molecular consequence: missense variant.
Genome position (GRCh38, 1-based): chr11:119,287,931, A>G. VCF-style: chr11-119287931-A-G. GRCh37 (hg19) VCF-style: chr11-119158641-A-G.
Other names: c.2021A>G (NM_005188.2); short protein forms Y674C.
Identifiers: ClinVar variation 937982 (VCV000937982.10), dbSNP rs768160029, ClinGen allele CA6318652.
Genomic context (GRCh38, chr11:119,287,931, plus strand): 5'-TAGTAGGTCCAGAGTGTGACCACCCCAAAATCAAACCTTCCTCATCTGCCAATGCCATTT[A>G]TTCTCTGGCTGCCAGGTAAGTCTGCTAAAGCTATATTTTGTACAGTGGAGTTGTTACTTG-3'
Protein context (NP_005179.2, residues 664-684): IKPSSSANAI[Tyr674Cys]SLAARPLPVP

ClinVar aggregate classification (germline): Uncertain significance. Review status: criteria provided, multiple submitters, no conflicts (2 of 4 stars). 2 submissions from 2 submitters: Uncertain significance (2). Last evaluated 2025-09-26.

Conditions:
Cardiovascular phenotype. Identifiers: MedGen CN230736.
RASopathy. Also called: rasopathies; Noonan spectrum disorder. Identifiers: Orphanet 536391, MedGen C5555857, MONDO:0021060.

Allele frequency attached by ClinVar (database versions not stated): ExAC 0.00001.

Submissions (2):

Ambry Genetics
Classification: Uncertain significance for Cardiovascular phenotype. Last evaluated: 2025-09-26. Review status: criteria provided, single submitter. Criteria: Ambry Variant Classification Scheme 2023. Collection method: clinical testing. Allele origin: germline.
Comment: The p.Y674C variant (also known as c.2021A>G), located in coding exon 12 of the CBL gene, results from an A to G substitution at nucleotide position 2021. The tyrosine at codon 674 is replaced by cysteine, an amino acid with highly dissimilar properties. This amino acid position is conserved. In addition, this alteration is predicted to be deleterious by in silico analysis. Based on the available evidence, the clinical significance of this variant remains unclear.

Labcorp Genetics (formerly Invitae), Labcorp
Classification: Uncertain significance for RASopathy. Last evaluated: 2019-09-20. Review status: criteria provided, single submitter. Criteria: Invitae Variant Classification Sherloc (09022015). Collection method: clinical testing. Allele origin: germline.
Comment: Algorithms developed to predict the effect of missense changes on protein structure and function are either unavailable or do not agree on the potential impact of this missense change (SIFT: "Tolerated"; PolyPhen-2: "Benign"; Align-GVGD: "Class C0"). In summary, the available evidence is currently insufficient to determine the role of this variant in disease. Therefore, it has been classified as a Variant of Uncertain Significance. This variant has not been reported in the literature in individuals with CBL-related conditions. This variant is present in population databases (rs768160029, ExAC 0.01%). This sequence change replaces tyrosine with cysteine at codon 674 of the CBL protein (p.Tyr674Cys). The tyrosine residue is moderately conserved and there is a large physicochemical difference between tyrosine and cysteine.